The following is an entry in ClinVar:

NM_003737.4(DCHS1):c.5059G>A (p.Gly1687Arg)

Gene: DCHS1 (dachsous cadherin-related 1; minus strand). Cytogenetic location: 11p15.4.
Variant type: single nucleotide variant.
Coding change: c.5059G>A on transcript NM_003737.4 (MANE Select); coding-DNA position 5059, G replaced by A.
Protein change: p.Gly1687Arg; replaces glycine 1687 with arginine.
Molecular consequence: missense variant.
Genome position (GRCh38, 1-based): chr11:6,629,554, C>T on the plus strand (G>A on the coding strand, the complement: DCHS1 is on the minus strand). VCF-style: chr11-6629554-C-T. GRCh37 (hg19) VCF-style: chr11-6650785-C-T.
Other names: short protein forms G1687R.
Identifiers: ClinVar variation 2876282 (VCV002876282.3), dbSNP rs2493822327, ClinGen allele CA379397504.

ClinVar aggregate classification (germline): Uncertain significance (1 of 4 stars; one submission).

Allele frequency attached by ClinVar (database versions not stated): gnomAD exomes below 0.00001.
gnomAD v4.1: 2 of 1,613,722 alleles (0.00012%); highest among the groups gnomAD compares: Non-Finnish European, 0.00017%; no homozygotes.

Submission:

Labcorp Genetics (formerly Invitae), Labcorp
Classification: Uncertain significance. Last evaluated: 2023-11-28. Review status: criteria provided, single submitter. Criteria: Invitae Variant Classification Sherloc (09022015). Collection method: clinical testing. Allele origin: germline.
Comment: This sequence change replaces glycine, which is neutral and non-polar, with arginine, which is basic and polar, at codon 1687 of the DCHS1 protein (p.Gly1687Arg). This variant is not present in population databases (gnomAD no frequency). This variant has not been reported in the literature in individuals affected with DCHS1-related conditions. Advanced modeling of protein sequence and biophysical properties (such as structural, functional, and spatial information, amino acid conservation, physicochemical variation, residue mobility, and thermodynamic stability) performed at Invitae indicates that this missense variant is not expected to disrupt DCHS1 protein function with a negative predictive value of 80%. In summary, the available evidence is currently insufficient to determine the role of this variant in disease. Therefore, it has been classified as a Variant of Uncertain Significance.